The following is an entry in ClinVar:

NM_080916.3(DGUOK):c.772G>A (p.Glu258Lys)

Genes: DGUOK (deoxyguanosine kinase; plus strand), DGUOK-AS1 (DGUOK antisense RNA 1; minus strand). Cytogenetic location: 2p13.1.
Variant type: single nucleotide variant.
Coding change: c.772G>A on transcript NM_080916.3 (MANE Select); coding-DNA position 772, G replaced by A.
Protein change: p.Glu258Lys; replaces glutamic acid 258 with lysine.
Molecular consequence: missense variant. On other transcripts: non-coding transcript variant (6).
Genome position (GRCh38, 1-based): chr2:73,958,210, G>A. VCF-style: chr2-73958210-G-A. GRCh37 (hg19) VCF-style: chr2-74185337-G-A.
Other names: c.490G>A, p.Glu164Lys (NM_001318859.2); c.481G>A, p.Glu161Lys (NM_001318860.2, NM_001318861.2); c.463G>A, p.Glu155Lys (NM_001318862.2, NM_001318863.2); c.508G>A, p.Glu170Lys (NM_080918.3); short protein forms E161K, E170K, E258K, E155K, E164K.
Identifiers: ClinVar variation 1492090 (VCV001492090.6), dbSNP rs868377068, ClinGen allele CA50410807.

ClinVar aggregate classification (germline): Uncertain significance (1 of 4 stars; one submission).

Submission:

Labcorp Genetics (formerly Invitae), Labcorp
Classification: Uncertain significance. Last evaluated: 2022-07-26. Review status: criteria provided, single submitter. Criteria: Invitae Variant Classification Sherloc (09022015). Collection method: clinical testing. Allele origin: germline.
Comment: In summary, the available evidence is currently insufficient to determine the role of this variant in disease. Therefore, it has been classified as a Variant of Uncertain Significance. Algorithms developed to predict the effect of missense changes on protein structure and function output the following: SIFT: "Tolerated"; PolyPhen-2: "Benign"; Align-GVGD: "Class C0". The lysine amino acid residue is found in multiple mammalian species, which suggests that this missense change does not adversely affect protein function. This sequence change replaces glutamic acid, which is acidic and polar, with lysine, which is basic and polar, at codon 258 of the DGUOK protein (p.Glu258Lys). This variant is not present in population databases (gnomAD no frequency). This variant has not been reported in the literature in individuals affected with DGUOK-related conditions. ClinVar contains an entry for this variant (Variation ID: 1492090).